The following is an entry in ClinVar:

NM_001042492.3(NF1):c.3162C>G (p.Asn1054Lys)

Gene: NF1 (neurofibromin 1; plus strand). Cytogenetic location: 17q11.2.
Variant type: single nucleotide variant.
Coding change: c.3162C>G on transcript NM_001042492.3 (MANE Select); coding-DNA position 3162, C replaced by G.
Protein change: p.Asn1054Lys; replaces asparagine 1054 with lysine.
Molecular consequence: missense variant.
Genome position (GRCh38, 1-based): chr17:31,230,890, C>G. VCF-style: chr17-31230890-C-G. GRCh37 (hg19) VCF-style: chr17-29557908-C-G.
Other names: c.3162C>G, p.Asn1054Lys (NM_000267.4); short protein forms N1054K.
Identifiers: ClinVar variation 2797248 (VCV002797248.5), dbSNP rs2151432466, ClinGen allele CA398988093.

ClinVar aggregate classification (germline): Uncertain significance. Review status: criteria provided, multiple submitters, no conflicts (2 of 4 stars). 2 submissions from 2 submitters: Uncertain significance (2). Last evaluated 2026-07-06.

Conditions:
Neurofibromatosis, type 1 (NF1). Also called: VON RECKLINGHAUSEN DISEASE; Peripheral type neurofibromatosis; NEUROFIBROMATOSIS, TYPE I, SOMATIC; Neurofibromatosis, type I. Identifiers: Orphanet 636, MedGen C0027831, MONDO:0018975, OMIM 162200. Disease mechanism: loss of function.
Hereditary cancer-predisposing syndrome. Also called: Hereditary Cancer Syndrome; Hereditary neoplastic syndrome; Neoplastic Syndromes, Hereditary; Tumor predisposition. Identifiers: Orphanet 140162, MedGen C0027672, MeSH D009386, MONDO:0015356.
Cardiovascular phenotype. Identifiers: MedGen CN230736.

Submissions (2):

Ambry Genetics
Classification: Uncertain significance for Cardiovascular phenotype; Hereditary cancer-predisposing syndrome. Last evaluated: 2026-07-06. Review status: criteria provided, single submitter. Criteria: Ambry Variant Classification Scheme 2023. Collection method: clinical testing. Allele origin: germline.
Comment: The p.N1054K variant (also known as c.3162C>G), located in coding exon 24 of the NF1 gene, results from a C to G substitution at nucleotide position 3162. The asparagine at codon 1054 is replaced by lysine, an amino acid with similar properties. This amino acid position is highly conserved in available vertebrate species. In addition, this alteration is predicted to be tolerated by in silico analysis. Based on the available evidence, the clinical significance of this variant remains unclear.

Labcorp Genetics (formerly Invitae), Labcorp
Classification: Uncertain significance for Neurofibromatosis, type 1. Last evaluated: 2025-04-23. Review status: criteria provided, single submitter. Criteria: Invitae Variant Classification Sherloc (09022015). Collection method: clinical testing. Allele origin: germline.
Comment: This sequence change replaces asparagine, which is neutral and polar, with lysine, which is basic and polar, at codon 1054 of the NF1 protein (p.Asn1054Lys). This variant is not present in population databases (gnomAD no frequency). This variant has not been reported in the literature in individuals affected with NF1-related conditions. ClinVar contains an entry for this variant (Variation ID: 2797248). Invitae Evidence Modeling of protein sequence and biophysical properties (such as structural, functional, and spatial information, amino acid conservation, physicochemical variation, residue mobility, and thermodynamic stability) has been performed for this missense variant. However, the output from this modeling did not meet the statistical confidence thresholds required to predict the impact of this variant on NF1 protein function. In summary, the available evidence is currently insufficient to determine the role of this variant in disease. Therefore, it has been classified as a Variant of Uncertain Significance.